The following is an entry in ClinVar:

ClinVar aggregate classification (germline): Uncertain significance (1 of 4 stars; one submission).

Conditions:
Primary dilated cardiomyopathy (DCM). Also called: Dilated Cardiomyopathy. Identifiers: Orphanet 217604, MedGen C0007193, MeSH D002311, MONDO:0005021, HP:0001644. Inheritance: Various modes of inheritance.

gnomAD v4.1: 8 of 1,613,238 alleles (0.0005%); highest among the groups gnomAD compares: African/African-American, 0.004%; no homozygotes.

Submission:

Labcorp Genetics (formerly Invitae), Labcorp
Classification: Uncertain significance for Primary dilated cardiomyopathy. Last evaluated: 2025-06-06. Review status: criteria provided, single submitter. Criteria: Invitae Variant Classification Sherloc (09022015). Collection method: clinical testing. Allele origin: germline.
Comment: This sequence change replaces threonine, which is neutral and polar, with lysine, which is basic and polar, at codon 172 of the NEBL protein (p.Thr172Lys). This variant is present in population databases (rs548438161, gnomAD 0.01%). This missense change has been observed in individual(s) with cardiomyopathy (PMID: 30165862). An algorithm developed to predict the effect of missense changes on protein structure and function outputs the following: PolyPhen-2: "Benign". The lysine amino acid residue is found in multiple mammalian species, which suggests that this missense change does not adversely affect protein function. In summary, the available evidence is currently insufficient to determine the role of this variant in disease. Therefore, it has been classified as a Variant of Uncertain Significance.

Literature cited by the submitters: PubMed 30165862.

NM_006393.3(NEBL):c.515C>A (p.Thr172Lys)

Gene: NEBL (nebulette; minus strand). Cytogenetic location: 10p12.31.
Variant type: single nucleotide variant.
Coding change: c.515C>A on transcript NM_006393.3 (MANE Select); coding-DNA position 515, C replaced by A.
Protein change: p.Thr172Lys; replaces threonine 172 with lysine.
Molecular consequence: missense variant. On other transcripts: intron variant (9).
Genome position (GRCh38, 1-based): chr10:20,869,807, G>T on the plus strand (C>A on the coding strand, the complement: NEBL is on the minus strand). VCF-style: chr10-20869807-G-T. GRCh37 (hg19) VCF-style: chr10-21158736-G-T.
Other names: c.250-56867C>A (NM_001377326.1, NM_001377327.1, NM_001377328.1); c.358-56867C>A (NM_213569.2, NM_001173484.2, NM_001377322.1); c.301-56867C>A (NM_001377324.1); c.292-56867C>A (NM_001377325.1); c.310-56867C>A (NM_001377323.1); short protein forms T172K.
Identifiers: ClinVar variation 4744619 (VCV004744619.1).